The following is an entry in ClinVar:

ClinVar aggregate classification (germline): Uncertain significance. Review status: criteria provided, multiple submitters, no conflicts (2 of 4 stars). 2 submissions from 2 submitters: Uncertain significance (2). Last evaluated 2025-05-27.

Allele frequency attached by ClinVar (database versions not stated): ExAC 0.00001; gnomAD exomes 0.00001; TOPMed 0.00001.
gnomAD v4.1: 3 of 1,614,068 alleles (0.00019%); highest among the groups gnomAD compares: South Asian, 0.0022%; no homozygotes.

Submissions (2):

Labcorp Genetics (formerly Invitae), Labcorp
Classification: Uncertain significance. Last evaluated: 2025-05-27. Review status: criteria provided, single submitter. Criteria: Invitae Variant Classification Sherloc (09022015). Collection method: clinical testing. Allele origin: germline.
Comment: This sequence change replaces leucine, which is neutral and non-polar, with phenylalanine, which is neutral and non-polar, at codon 1073 of the SETBP1 protein (p.Leu1073Phe). This variant is present in population databases (rs766091331, gnomAD 0.006%). This variant has not been reported in the literature in individuals affected with SETBP1-related conditions. ClinVar contains an entry for this variant (Variation ID: 1346842). Invitae Evidence Modeling of protein sequence and biophysical properties (such as structural, functional, and spatial information, amino acid conservation, physicochemical variation, residue mobility, and thermodynamic stability) indicates that this missense variant is not expected to disrupt SETBP1 protein function with a negative predictive value of 80%. In summary, the available evidence is currently insufficient to determine the role of this variant in disease. Therefore, it has been classified as a Variant of Uncertain Significance.

GeneDx
Classification: Uncertain significance. Last evaluated: 2023-01-13. Review status: criteria provided, single submitter. Criteria: GeneDx Variant Classification Process June 2021. Collection method: clinical testing. Allele origin: germline. Affected: yes.
Comment: In silico analysis supports that this missense variant does not alter protein structure/function; Has not been previously published as pathogenic or benign to our knowledge

NM_015559.3(SETBP1):c.3219G>T (p.Leu1073Phe)

Gene: SETBP1 (SET binding protein 1; plus strand). Cytogenetic location: 18q12.3.
Variant type: single nucleotide variant.
Coding change: c.3219G>T on transcript NM_015559.3 (MANE Select); coding-DNA position 3219, G replaced by T.
Protein change: p.Leu1073Phe; replaces leucine 1073 with phenylalanine.
Molecular consequence: missense variant.
Genome position (GRCh38, 1-based): chr18:44,952,559, G>T. VCF-style: chr18-44952559-G-T. GRCh37 (hg19) VCF-style: chr18-42532524-G-T.
Other names: c.3219G>T (NM_015559.2); c.3219G>T, p.Leu1073Phe (NM_001379141.1, NM_001379142.1); short protein forms L1073F.
Identifiers: ClinVar variation 1346842 (VCV001346842.8), dbSNP rs766091331, ClinGen allele CA8945867.